The following is an entry in ClinVar:

ClinVar aggregate classification (germline): Likely benign (1 of 4 stars; one submission).

gnomAD v4.1: 10 of 1,614,042 alleles (0.00062%); highest among the groups gnomAD compares: Non-Finnish European, 0.00085%; no homozygotes.

Submission:

CeGaT Center for Human Genetics Tuebingen
Classification: Likely benign. Last evaluated: 2024-09-01. Review status: criteria provided, single submitter. Criteria: CeGaT Center For Human Genetics Tuebingen Variant Classification Criteria Version 2. Collection method: clinical testing. Allele origin: germline. Affected: yes. Observed: 2 variant alleles.
Comment: MED13L: BP4, BP7

NM_015335.5(MED13L):c.5793G>T (p.Val1931=)

Gene: MED13L (mediator complex subunit 13L; minus strand). Cytogenetic location: 12q24.21.
Variant type: single nucleotide variant.
Coding change: c.5793G>T on transcript NM_015335.5 (MANE Select); coding-DNA position 5793, G replaced by T.
Protein change: p.Val1931=; no amino-acid change (valine 1931 retained).
Molecular consequence: synonymous variant.
Genome position (GRCh38, 1-based): chr12:115,972,175, C>A on the plus strand (G>T on the coding strand, the complement: MED13L is on the minus strand). VCF-style: chr12-115972175-C-A. GRCh37 (hg19) VCF-style: chr12-116409980-C-A.
Identifiers: ClinVar variation 3389700 (VCV003389700.14).
Genomic context (GRCh38, chr12:115,972,175, plus strand): 5'-AACCAGGCAGGCACTAAGGATAGAAGGAGAGTCTGCGGCAGAGATTCCACACATCCGGCA[C>A]ACATCCTTGAGCTTTTTGCTGATTGTCTGTAGTGAACATTCTCCAAGGAGGATACTCCAA-3'
Protein context (NP_056150.1, residues 1921-1941): LQTISKKLKD[Val1931=]CRMCGISAAD